The following is an entry in ClinVar:

NM_012338.4(TSPAN12):c.476G>T (p.Cys159Phe)

Gene: TSPAN12 (tetraspanin 12; minus strand). Cytogenetic location: 7q31.31.
Variant type: single nucleotide variant.
Coding change: c.476G>T on transcript NM_012338.4 (MANE Select); coding-DNA position 476, G replaced by T.
Protein change: p.Cys159Phe; replaces cysteine 159 with phenylalanine.
Molecular consequence: missense variant.
Genome position (GRCh38, 1-based): chr7:120,806,685, C>A on the plus strand (G>T on the coding strand, the complement: TSPAN12 is on the minus strand). VCF-style: chr7-120806685-C-A. GRCh37 (hg19) VCF-style: chr7-120446739-C-A.
Other names: short protein forms C159F.
Identifiers: ClinVar variation 1687193 (VCV001687193.1), dbSNP rs2116348690, ClinGen allele CA369136560.

ClinVar aggregate classification (germline): Uncertain significance (1 of 4 stars; one submission).

Conditions:
Exudative vitreoretinopathy 5 (EVR5). Identifiers: Orphanet 891, MedGen C2750079, MONDO:0013218, OMIM 613310.

Submission:

3billion
Classification: Uncertain significance for Exudative vitreoretinopathy 5. Last evaluated: 2022-05-22. Review status: criteria provided, single submitter. Criteria: ACMG Guidelines, 2015. Collection method: clinical testing. Allele origin: germline. Affected: yes. Observed: 1 heterozygote.
Comment: The variant is not observed in the gnomAD v2.1.1 dataset. In silico tool predictions suggest damaging effect of the variant on gene or gene product (REVEL: 0.95; 3Cnet: 0.95). A different missense change at the same codon (p.Cys159Tyr) has been reported to be associated with TSPAN12 related disorder (PMID: 31106028). However the evidence of pathogenicity is insufficient at this time. Therefore, this variant is classified as uncertain significanceaccording to the recommendation of ACMG/AMP guideline.

Literature cited by the submitters: PubMed 31106028.